The following is an entry in ClinVar:

ClinVar aggregate classification (germline): Uncertain significance. Review status: criteria provided, single submitter (1 of 4 stars). 2 submissions from 2 submitters: Uncertain significance (1). 1 of the submissions does not count toward it. Last evaluated 2025-08-25.

Conditions:
NAV2-related disorder. Also called: NAV2-related condition.

Allele frequency attached by ClinVar (database versions not stated): ExAC 0.00104; gnomAD 0.00283; TOPMed 0.00328; 1000 Genomes Project 0.00339; ESP Exome Variant Server 0.00361; 1000 Genomes Project 30x 0.00390.
gnomAD v4.1: 870 of 1,614,124 alleles (0.054%); highest among the groups gnomAD compares: African/African-American, 0.83%; 5 homozygotes.

Submissions (2):

Ambry Genetics
Classification: Uncertain significance. Last evaluated: 2025-08-25. Review status: criteria provided, single submitter. Criteria: Ambry Variant Classification Scheme 2023. Collection method: clinical testing. Allele origin: germline.

PreventionGenetics, part of Exact Sciences
Classification: Benign for NAV2-related condition. Last evaluated: 2019-11-07. Review status: no assertion criteria provided. Collection method: clinical testing. Allele origin: germline. Not counted in ClinVar's aggregate classification.
Comment: This variant is classified as benign based on ACMG/AMP sequence variant interpretation guidelines (Richards et al. 2015 PMID: 25741868, with internal and published modifications).

NM_145117.5(NAV2):c.3391G>A (p.Gly1131Ser)

Genes: NAV2 (neuron navigator 2; plus strand), NAV2-AS2 (NAV2 antisense RNA 2; minus strand). Cytogenetic location: 11p15.1.
Variant type: single nucleotide variant.
Coding change: c.3391G>A on transcript NM_145117.5 (MANE Select); coding-DNA position 3391, G replaced by A.
Protein change: p.Gly1131Ser; replaces glycine 1131 with serine.
Molecular consequence: missense variant.
Genome position (GRCh38, 1-based): chr11:20,045,159, G>A. VCF-style: chr11-20045159-G-A. GRCh37 (hg19) VCF-style: chr11-20066705-G-A.
Other names: c.3199G>A, p.Gly1067Ser (NM_001111018.2); c.649G>A, p.Gly217Ser (NM_001111019.3); c.3460G>A, p.Gly1154Ser (NM_001244963.2); c.3391G>A, p.Gly1131Ser (NM_182964.6); c.3391G>A (NM_145117.4); short protein forms G1067S, G1131S, G1154S, G217S.
Identifiers: ClinVar variation 3042132 (VCV003042132.3), dbSNP rs146880326, ClinGen allele CA5918445.